The following is an entry in ClinVar:

NM_133459.4(CCBE1):c.473G>A (p.Arg158His)

Gene: CCBE1 (collagen and calcium binding EGF domains 1; minus strand). Cytogenetic location: 18q21.32.
Variant type: single nucleotide variant.
Coding change: c.473G>A on transcript NM_133459.4 (MANE Select); coding-DNA position 473, G replaced by A.
Protein change: p.Arg158His; replaces arginine 158 with histidine.
Molecular consequence: missense variant.
Genome position (GRCh38, 1-based): chr18:59,466,819, C>T on the plus strand (G>A on the coding strand, the complement: CCBE1 is on the minus strand). VCF-style: chr18-59466819-C-T. GRCh37 (hg19) VCF-style: chr18-57134051-C-T.
Other names: short protein forms R158H.
Identifiers: ClinVar variation 1416045 (VCV001416045.5), dbSNP rs548209010, ClinGen allele CA8980482.

ClinVar aggregate classification (germline): Uncertain significance (1 of 4 stars; one submission).

Allele frequency attached by ClinVar (database versions not stated): 1000 Genomes Project 30x 0.00031; ExAC 0.00010; gnomAD 0.00005; 1000 Genomes Project 0.00020.
gnomAD v4.1: 92 of 1,613,702 alleles (0.0057%); highest among the groups gnomAD compares: South Asian, 0.037%; no homozygotes.

Submission:

Labcorp Genetics (formerly Invitae), Labcorp
Classification: Uncertain significance. Last evaluated: 2021-08-31. Review status: criteria provided, single submitter. Criteria: Invitae Variant Classification Sherloc (09022015). Collection method: clinical testing. Allele origin: germline.
Comment: This sequence change replaces arginine with histidine at codon 158 of the CCBE1 protein (p.Arg158His). The arginine residue is moderately conserved and there is a small physicochemical difference between arginine and histidine. This variant is present in population databases (rs548209010, ExAC 0.05%). This variant has not been reported in the literature in individuals affected with CCBE1-related conditions. Algorithms developed to predict the effect of missense changes on protein structure and function output the following: SIFT: "Tolerated"; PolyPhen-2: "Benign"; Align-GVGD: "Class C0". The histidine amino acid residue is found in multiple mammalian species, which suggests that this missense change does not adversely affect protein function. In summary, the available evidence is currently insufficient to determine the role of this variant in disease. Therefore, it has been classified as a Variant of Uncertain Significance.